The following is an entry in ClinVar:

NM_001037.5(SCN1B):c.655T>C (p.Ter219Gln)

Gene: SCN1B (sodium voltage-gated channel beta subunit 1; plus strand). Cytogenetic location: 19q13.11.
Variant type: single nucleotide variant.
Coding change: c.655T>C on transcript NM_001037.5 (MANE Select); coding-DNA position 655, T replaced by C.
Protein change: p.Ter219Gln.
Molecular consequence: stop lost.
Genome position (GRCh38, 1-based): chr19:35,039,699, T>C. VCF-style: chr19-35039699-T-C. GRCh37 (hg19) VCF-style: chr19-35530603-T-C.
Other names: c.655T>C (NM_001037.4); c.556T>C, p.Ter186Gln (NM_001321605.2).
Identifiers: ClinVar variation 1468183 (VCV001468183.8), dbSNP rs2151749083, ClinGen allele CA405330348.

ClinVar aggregate classification (germline): Uncertain significance. Review status: criteria provided, multiple submitters, no conflicts (2 of 4 stars). 3 submissions from 3 submitters: Uncertain significance (3). Last evaluated 2026-01-28.

Conditions:
Brugada syndrome 5 (BRGDA5). Identifiers: Orphanet 130, Orphanet 871, MedGen C2748541, MONDO:0013015, OMIM 612838.

Submissions (3):

Labcorp Genetics (formerly Invitae), Labcorp
Classification: Uncertain significance for Brugada syndrome 5. Last evaluated: 2026-01-28. Review status: criteria provided, single submitter. Criteria: Invitae Variant Classification Sherloc (09022015). Collection method: clinical testing. Allele origin: germline.
Comment: The SCN1B gene has multiple clinically relevant transcripts. This variant occurs in alternate transcript NM_001037.5 and corresponds to NM_199037.3:c.*5601T>C in the primary transcript. This sequence change disrupts the translational stop signal of the SCN1B mRNA. It is expected to extend the length of the SCN1B protein by 214 additional amino acid residues. This variant is not present in population databases (gnomAD no frequency). This protein extension has been observed in individuals with generalized epilepsy with febrile seizures, plus (PMID: 35886038). ClinVar contains an entry for this variant (Variation ID: 1468183). Experimental studies and prediction algorithms are not available or were not evaluated, and the functional significance of this variant is currently unknown. In summary, the available evidence is currently insufficient to determine the role of this variant in disease. Therefore, it has been classified as a Variant of Uncertain Significance.

GeneDx
Classification: Uncertain significance. Last evaluated: 2025-05-16. Review status: criteria provided, single submitter. Criteria: GeneDx Variant Classification Process June 2021. Collection method: clinical testing. Allele origin: germline. Affected: yes.
Comment: Stop codon loss and change to a glutamine codon, leading to protein extension and the addition of 214 amino acid(s) at the C-terminus; Not observed at significant frequency in large population cohorts (gnomAD); This variant is associated with the following publications: (PMID: 35886038)

Blueprint Genetics
Classification: Uncertain significance. Last evaluated: 2022-12-13. Review status: criteria provided, single submitter. Criteria: ACMG Guidelines, 2015. Collection method: clinical testing. Allele origin: germline.

Literature cited by the submitters: PubMed 35886038 (cited by Labcorp Genetics (formerly Invitae), Labcorp).